The following is an entry in ClinVar:

NM_000059.4(BRCA2):c.5130T>G (p.Tyr1710Ter)

Gene: BRCA2 (BRCA2 DNA repair associated; plus strand). Cytogenetic location: 13q13.1.
Variant type: single nucleotide variant.
Coding change: c.5130T>G on transcript NM_000059.4 (MANE Select); coding-DNA position 5130, T replaced by G.
Protein change: p.Tyr1710Ter; replaces tyrosine 1710 with a stop codon.
Molecular consequence: nonsense.
Genome position (GRCh38, 1-based): chr13:32,339,485, T>G. VCF-style: chr13-32339485-T-G. GRCh37 (hg19) VCF-style: chr13-32913622-T-G.
Other names: short protein forms Y1710*.
Identifiers: ClinVar variation 585211 (VCV000585211.1), dbSNP rs1566231778, ClinGen allele CA387784176.

ClinVar aggregate classification (germline): Pathogenic (1 of 4 stars; one submission).

Conditions:
Breast-ovarian cancer, familial, susceptibility to, 2 (BROVCA2). Also called: BRCA2 Hereditary Breast and Ovarian Cancer. Identifiers: Orphanet 145, MedGen C2675520, MONDO:0012933, OMIM 612555. Disease mechanism: loss of function.

Submission:

Human Genome Sequencing Center Clinical Lab, Baylor College of Medicine
Classification: Pathogenic for Breast-ovarian cancer, familial, susceptibility to, 2. Last evaluated: 2017-05-25. Review status: criteria provided, single submitter. Criteria: ACMG Guidelines, 2015. Collection method: clinical testing. Allele origin: germline.
Comment: The c.5130T>G (p.Tyr1710*) variant in the BRCA2 gene has not been observed in our patient database not has been observed in public databases. This variant creates a premature stop codon at amino acid position 1710 of the BRCA2 protein. This variant is thus predicted to result in a loss of function of the protein. This variant thus classified as pathogenic.